The following is an entry in ClinVar:

NM_001145809.2(MYH14):c.5759G>A (p.Arg1920Gln)

Gene: MYH14 (myosin heavy chain 14; plus strand). Cytogenetic location: 19q13.33.
Variant type: single nucleotide variant.
Coding change: c.5759G>A on transcript NM_001145809.2 (MANE Select); coding-DNA position 5759, G replaced by A.
Protein change: p.Arg1920Gln; replaces arginine 1920 with glutamine.
Molecular consequence: missense variant.
Genome position (GRCh38, 1-based): chr19:50,307,129, G>A. VCF-style: chr19-50307129-G-A. GRCh37 (hg19) VCF-style: chr19-50810386-G-A.
Other names: c.5660G>A, p.Arg1887Gln (NM_001077186.2); c.5636G>A, p.Arg1879Gln (NM_024729.4); short protein forms R1879Q, R1887Q, R1920Q.
Identifiers: ClinVar variation 4989696 (VCV004989696.1).

ClinVar aggregate classification (germline): Uncertain significance (1 of 4 stars; one submission).

Conditions:
MYH14-related disorder. Also called: MYH14-related condition.

gnomAD v4.1: 46 of 1,549,514 alleles (0.003%); highest among the groups gnomAD compares: East Asian, 0.0098%; no homozygotes.

Submission:

PreventionGenetics, part of Exact Sciences
Classification: Uncertain significance for MYH14-related condition. Last evaluated: 2025-11-07. Review status: criteria provided, single submitter. Criteria: ACMG Guidelines, 2015. Collection method: clinical testing. Allele origin: germline.
Comment: The MYH14 c.5759G>A variant is predicted to result in the amino acid substitution p.Arg1920Gln. To our knowledge, this variant has not been reported in the literature. This variant is reported in 0.0080% of alleles in individuals of East Asian descent in gnomAD. At this time, the clinical significance of this variant is uncertain due to the absence of conclusive functional and genetic evidence.